The following is an entry in ClinVar:

NM_000136.3(FANCC):c.673G>T (p.Glu225Ter)

Genes: AOPEP (aminopeptidase O (putative); plus strand), FANCC (FA complementation group C; minus strand). Cytogenetic location: 9q22.32.
Variant type: single nucleotide variant.
Coding change: c.673G>T on transcript NM_000136.3 (MANE Select); coding-DNA position 673, G replaced by T.
Protein change: p.Glu225Ter; replaces glutamic acid 225 with a stop codon.
Molecular consequence: nonsense.
Genome position (GRCh38, 1-based): chr9:95,149,936, C>A on the plus strand (G>T on the coding strand, the complement: FANCC is on the minus strand). VCF-style: chr9-95149936-C-A. GRCh37 (hg19) VCF-style: chr9-97912218-C-A.
Other names: c.673G>T, p.Glu225Ter (NM_001243743.2, NM_001243744.2); short protein forms E225*.
Identifiers: ClinVar variation 813470 (VCV000813470.13), dbSNP rs374176091, ClinGen allele CA5137672.

ClinVar aggregate classification (germline): Pathogenic/Likely pathogenic. Review status: criteria provided, multiple submitters, no conflicts (2 of 4 stars). 5 submissions from 5 submitters: Pathogenic (4); Likely pathogenic (1). Last evaluated 2025-10-04.

Conditions:
Fanconi anemia complementation group C (FANCC). Also called: FANCONI PANCYTOPENIA, TYPE 3; FACC; FANCC-Related Fanconi Anemia; Fanconi anemia, group C. Identifiers: Orphanet 84, MedGen C3468041, MONDO:0009213, OMIM 227645.
Fanconi anemia (FA). Also called: Fanconi's anemia. Identifiers: Orphanet 84, MedGen C0015625, MeSH D005199, MONDO:0019391.
Hereditary cancer-predisposing syndrome. Also called: Tumor predisposition; Hereditary neoplastic syndrome; Neoplastic Syndromes, Hereditary; Hereditary Cancer Syndrome. Identifiers: Orphanet 140162, MedGen C0027672, MeSH D009386, MONDO:0015356.

gnomAD v4.1: 6 of 1,604,864 alleles (0.00037%); highest among the groups gnomAD compares: Admixed American, 0.01%; no homozygotes.

Submissions (5):

Natera, Inc.
Classification: Likely pathogenic for Fanconi anemia. Last evaluated: 2025-10-04. Review status: criteria provided, single submitter. Criteria: Natera Variant Classification Schema (03/2026). Collection method: clinical testing. Allele origin: germline.
Comment: The c.673G>T variant in FANCC is a nonsense variant predicted to introduce a stop codon at amino acid 225. This variant is expected to result in nonsense mediated decay, truncation, or a dysfunctional protein product. This variant is rare in the general population with a frequency below the threshold expected for the associated phenotype(s). Given the available evidence, this variant is classified as Likely Pathogenic.

Labcorp Genetics (formerly Invitae), Labcorp
Classification: Pathogenic for Fanconi anemia. Last evaluated: 2024-11-11. Review status: criteria provided, single submitter. Criteria: Invitae Variant Classification Sherloc (09022015). Collection method: clinical testing. Allele origin: germline.
Comment: This sequence change creates a premature translational stop signal (p.Glu225*) in the FANCC gene. It is expected to result in an absent or disrupted protein product. Loss-of-function variants in FANCC are known to be pathogenic (PMID: 17924555). This variant is present in population databases (rs374176091, gnomAD 0.009%). This variant has not been reported in the literature in individuals affected with FANCC-related conditions. ClinVar contains an entry for this variant (Variation ID: 813470). For these reasons, this variant has been classified as Pathogenic.

Women's Health and Genetics/Laboratory Corporation of America, LabCorp
Classification: Pathogenic for Fanconi anemia complementation group C. Last evaluated: 2024-09-09. Review status: criteria provided, single submitter. Criteria: LabCorp Variant Classification Summary - May 2015. Collection method: clinical testing. Allele origin: germline.
Comment: Variant summary: FANCC c.673G>T (p.Glu225X) results in a premature termination codon, predicted to cause a truncation of the encoded protein or absence of the protein due to nonsense mediated decay, which are commonly known mechanisms for disease. The variant allele was found at a frequency of 1.3e-05 in 236070 control chromosomes. To our knowledge, no occurrence of c.673G>T in individuals affected with Fanconi Anemia Group C and no experimental evidence demonstrating its impact on protein function have been reported. ClinVar contains an entry for this variant (Variation ID: 813470). Based on the evidence outlined above, the variant was classified as pathogenic.

Ambry Genetics
Classification: Pathogenic for Hereditary cancer-predisposing syndrome. Last evaluated: 2022-04-11. Review status: criteria provided, single submitter. Criteria: Ambry Variant Classification Scheme 2023. Collection method: clinical testing. Allele origin: germline.
Comment: The p.E225* pathogenic mutation (also known as c.673G>T), located in coding exon 6 of the FANCC gene, results from a G to T substitution at nucleotide position 673. This changes the amino acid from a glutamic acid to a stop codon within coding exon 6. This alteration is expected to result in loss of function by premature protein truncation or nonsense-mediated mRNA decay. As such, this alteration is interpreted as a disease-causing mutation.

Baylor Genetics
Classification: Pathogenic for Fanconi anemia complementation group C. Review status: criteria provided, single submitter. Criteria: ACMG Guidelines, 2015. Collection method: clinical testing. Allele origin: germline.

Literature cited by the submitters: PubMed 17924555 (cited by Labcorp Genetics (formerly Invitae), Labcorp).